The following is an entry in ClinVar:

ClinVar aggregate classification (germline): Uncertain significance (1 of 4 stars; one submission).

Submission:

Mayo Clinic Laboratories, Mayo Clinic
Classification: Uncertain significance. Last evaluated: 2022-03-08. Review status: criteria provided, single submitter. Criteria: ACMG Guidelines, 2015. Collection method: clinical testing. Allele origin: germline. Observed: 1 variant allele.
Comment: PM2_supporting

NM_000431.4(MVK):c.875T>C (p.Leu292Pro)

Gene: MVK (mevalonate kinase; plus strand). Cytogenetic location: 12q24.11.
Variant type: single nucleotide variant.
Coding change: c.875T>C on transcript NM_000431.4 (MANE Select); coding-DNA position 875, T replaced by C.
Protein change: p.Leu292Pro; replaces leucine 292 with proline.
Molecular consequence: missense variant. On other transcripts: non-coding transcript variant (4).
Genome position (GRCh38, 1-based): chr12:109,591,347, T>C. VCF-style: chr12-109591347-T-C. GRCh37 (hg19) VCF-style: chr12-110029152-T-C.
Other names: p.Leu292Pro; c.875T>C, p.Leu292Pro (NM_001114185.3, NM_001414511.1, NM_001414513.1); c.719T>C, p.Leu240Pro (NM_001301182.2, NM_001414514.1); c.950T>C, p.Leu317Pro (NM_001414512.1); c.293T>C, p.Leu98Pro (NM_001414515.1); short protein forms L240P, L292P, L317P, L98P.
Identifiers: ClinVar variation 2683216 (VCV002683216.1), dbSNP rs2548637577, ClinGen allele CA386649619.